The following is an entry in ClinVar:

NM_001018115.3(FANCD2):c.1577del (p.Pro526fs)

Genes: FANCD2 (FA complementation group D2; plus strand), LOC107303338 (3p25 FANCD2 Alu-mediated recombination region; plus strand). Cytogenetic location: 3p25.3.
Variant type: Deletion.
Coding change: c.1577del on transcript NM_001018115.3 (MANE Select); coding-DNA position 1577, one base deleted (C; older notation c.1577delC).
Protein change: p.Pro526fs; shifts the reading frame from proline 526.
Molecular consequence: frameshift variant. On other transcripts: intron variant (1).
Genome position (GRCh38, 1-based): chr3:10,052,418, C deleted; the last of 4 consecutive C bases (chr3:10,052,415-10,052,418); deleting any one gives the same sequence. VCF-style (leftmost placement, unchanged base first): chr3-10052414-TC-T. GRCh37 (hg19) VCF-style: chr3-10094098-TC-T.
Other names: c.1577del, p.Pro526fs (NM_001319984.2, NM_001374254.1, NM_033084.6); c.1545+2913del (NM_001374253.1); short protein forms P526fs.
Identifiers: ClinVar variation 2675531 (VCV002675531.4), dbSNP rs758121289, ClinGen allele CA2664390212.

ClinVar aggregate classification (germline): Pathogenic/Likely pathogenic. Review status: criteria provided, multiple submitters, no conflicts (2 of 4 stars). 2 submissions from 2 submitters: Pathogenic (1); Likely pathogenic (1). Last evaluated 2023-01-20.

Conditions:
Fanconi anemia (FA). Also called: Fanconi's anemia. Identifiers: Orphanet 84, MedGen C0015625, MeSH D005199, MONDO:0019391.
Fanconi anemia complementation group D2. Also called: FANCD2-Related Fanconi Anemia; FANCONI PANCYTOPENIA, TYPE 4; FANCONI ANEMIA, COMPLEMENTATION GROUP D. Identifiers: Orphanet 84, MedGen C3160738, MONDO:0009214, OMIM 227646.

Submissions (2):

Labcorp Genetics (formerly Invitae), Labcorp
Classification: Pathogenic for Fanconi anemia. Last evaluated: 2023-01-20. Review status: criteria provided, single submitter. Criteria: Invitae Variant Classification Sherloc (09022015). Collection method: clinical testing. Allele origin: germline.
Comment: For these reasons, this variant has been classified as Pathogenic. This variant has not been reported in the literature in individuals affected with FANCD2-related conditions. This variant is not present in population databases (gnomAD no frequency). This sequence change creates a premature translational stop signal (p.Pro526Leufs*33) in the FANCD2 gene. It is expected to result in an absent or disrupted protein product. Loss-of-function variants in FANCD2 are known to be pathogenic (PMID: 17436244).

Baylor Genetics
Classification: Likely pathogenic for Fanconi anemia complementation group D2. Last evaluated: 2021-11-21. Review status: criteria provided, single submitter. Criteria: ACMG Guidelines, 2015. Collection method: clinical testing. Allele origin: unknown.

Literature cited by the submitters: PubMed 17436244 (cited by Labcorp Genetics (formerly Invitae), Labcorp).